The following is an entry in ClinVar:

ClinVar aggregate classification (germline): Uncertain significance (1 of 4 stars; one submission).

Submission:

GeneDx
Classification: Uncertain significance. Last evaluated: 2023-11-18. Review status: criteria provided, single submitter. Criteria: GeneDx Variant Classification Process June 2021. Collection method: clinical testing. Allele origin: germline. Affected: yes.
Comment: Not observed at significant frequency in large population cohorts (gnomAD); In silico analysis supports that this missense variant has a deleterious effect on protein structure/function; Has not been previously published as pathogenic or benign to our knowledge

NM_001020658.2(PUM1):c.2813T>C (p.Ile938Thr)

Gene: PUM1 (pumilio RNA binding family member 1; minus strand). Cytogenetic location: 1p35.2.
Variant type: single nucleotide variant.
Coding change: c.2813T>C on transcript NM_001020658.2 (MANE Select); coding-DNA position 2813, T replaced by C.
Protein change: p.Ile938Thr; replaces isoleucine 938 with threonine.
Molecular consequence: missense variant.
Genome position (GRCh38, 1-based): chr1:30,950,170, A>G on the plus strand (T>C on the coding strand, the complement: PUM1 is on the minus strand). VCF-style: chr1-30950170-A-G. GRCh37 (hg19) VCF-style: chr1-31423017-A-G.
Other names: c.2813T>C, p.Ile938Thr (NM_014676.3); short protein forms I938T.
Identifiers: ClinVar variation 2578297 (VCV002578297.2), dbSNP rs2521413586, ClinGen allele CA339563030.